The following is an entry in ClinVar:

NM_001375808.2(LPIN2):c.1281C>T (p.Pro427=)

Gene: LPIN2 (lipin 2; minus strand). Cytogenetic location: 18p11.31.
Variant type: single nucleotide variant.
Coding change: c.1281C>T on transcript NM_001375808.2 (MANE Select); coding-DNA position 1281, C replaced by T.
Protein change: p.Pro427=; no amino-acid change (proline 427 retained).
Molecular consequence: synonymous variant.
Genome position (GRCh38, 1-based): chr18:2,931,431, G>A on the plus strand (C>T on the coding strand, the complement: LPIN2 is on the minus strand). VCF-style: chr18-2931431-G-A. GRCh37 (hg19) VCF-style: chr18-2931429-G-A.
Other names: c.1281C>T, p.Pro427= (NM_001375809.1, NM_014646.2).
Identifiers: ClinVar variation 392372 (VCV000392372.41), dbSNP rs778559792, ClinGen allele CA8873140.

ClinVar aggregate classification (germline): Likely benign. Review status: criteria provided, multiple submitters, no conflicts (2 of 4 stars). 6 submissions from 6 submitters: Likely benign (5). 1 of the submissions does not count toward it. Last evaluated 2025-12-16.

Conditions:
Majeed syndrome (MJDS). Also called: CHRONIC RECURRENT MULTIFOCAL OSTEOMYELITIS 1, WITH CONGENITAL DYSERYTHROPOIETIC ANEMIA, WITH OR WITHOUT NEUTROPHILIC DERMATOSIS; LPIN2-Related Majeed Syndrome. Identifiers: Orphanet 77297, MedGen C1864997, MONDO:0012316, OMIM 609628.
LPIN2-related disorder. Also called: LPIN2-related condition.

Allele frequency attached by ClinVar (database versions not stated): gnomAD exomes 0.00001; ExAC 0.00002; TOPMed 0.00003; gnomAD 0.00004.
gnomAD v4.1: 30 of 1,590,142 alleles (0.0019%); highest among the groups gnomAD compares: Middle Eastern, 0.017%; no homozygotes.

Submissions (6):

Labcorp Genetics (formerly Invitae), Labcorp
Classification: Likely benign for Majeed syndrome. Last evaluated: 2025-12-16. Review status: criteria provided, single submitter. Criteria: Invitae Variant Classification Sherloc (09022015). Collection method: clinical testing. Allele origin: germline.

ARUP Laboratories, Molecular Genetics and Genomics, ARUP Laboratories
Classification: Likely benign for Majeed syndrome. Last evaluated: 2023-11-21. Review status: criteria provided, single submitter. Criteria: ARUP Molecular Germline Variant Investigation Process 2024. Collection method: clinical testing. Allele origin: germline.

Blueprint Genetics
Classification: Likely benign. Last evaluated: 2023-05-15. Review status: criteria provided, single submitter. Criteria: ACMG Guidelines, 2015. Collection method: clinical testing. Allele origin: germline.

CeGaT Center for Human Genetics Tuebingen
Classification: Likely benign. Last evaluated: 2022-08-01. Review status: criteria provided, single submitter. Criteria: CeGaT Center For Human Genetics Tuebingen Variant Classification Criteria Version 2. Collection method: clinical testing. Allele origin: germline. Affected: yes. Observed: 1 variant allele.
Comment: LPIN2: BP4, BP7

GeneDx
Classification: Likely benign. Last evaluated: 2017-01-03. Review status: criteria provided, single submitter. Criteria: GeneDx Variant Classification (06012015). Collection method: clinical testing. Allele origin: germline. Affected: yes.
Comment: This variant is considered likely benign or benign based on one or more of the following criteria: it is a conservative change, it occurs at a poorly conserved position in the protein, it is predicted to be benign by multiple in silico algorithms, and/or has population frequency not consistent with disease.

PreventionGenetics, part of Exact Sciences
Classification: Likely benign for LPIN2-related condition. Last evaluated: 2019-03-26. Review status: no assertion criteria provided. Collection method: clinical testing. Allele origin: germline. Not counted in ClinVar's aggregate classification.
Comment: This variant is classified as likely benign based on ACMG/AMP sequence variant interpretation guidelines (Richards et al. 2015 PMID: 25741868, with internal and published modifications).